The following is an entry in ClinVar:

ClinVar aggregate classification (germline): Uncertain significance. Review status: criteria provided, multiple submitters, no conflicts (2 of 4 stars). 2 submissions from 2 submitters: Uncertain significance (2). Last evaluated 2023-12-17.

Conditions:
Vitamin B2 deficiency. Identifiers: MedGen C0035528.

Allele frequency attached by ClinVar (database versions not stated): gnomAD 0.00001; ExAC 0.00002; TOPMed 0.00003; ESP Exome Variant Server 0.00008.

Submissions (2):

Ambry Genetics
Classification: Uncertain significance. Last evaluated: 2023-12-17. Review status: criteria provided, single submitter. Criteria: Ambry Variant Classification Scheme 2023. Collection method: clinical testing. Allele origin: germline.

Labcorp Genetics (formerly Invitae), Labcorp
Classification: Uncertain significance for Vitamin B2 deficiency. Last evaluated: 2022-07-10. Review status: criteria provided, single submitter. Criteria: Invitae Variant Classification Sherloc (09022015). Collection method: clinical testing. Allele origin: germline.
Comment: In summary, the available evidence is currently insufficient to determine the role of this variant in disease. Therefore, it has been classified as a Variant of Uncertain Significance. Algorithms developed to predict the effect of missense changes on protein structure and function are either unavailable or do not agree on the potential impact of this missense change (SIFT: "Deleterious"; PolyPhen-2: "Probably Damaging"; Align-GVGD: "Class C0"). This variant has not been reported in the literature in individuals affected with SLC52A1-related conditions. This variant is present in population databases (rs370773962, gnomAD 0.004%). This sequence change replaces leucine, which is neutral and non-polar, with proline, which is neutral and non-polar, at codon 380 of the SLC52A1 protein (p.Leu380Pro).

NM_017986.4(SLC52A1):c.1139T>C (p.Leu380Pro)

Gene: SLC52A1 (solute carrier family 52 member 1; minus strand). Cytogenetic location: 17p13.2.
Variant type: single nucleotide variant.
Coding change: c.1139T>C on transcript NM_017986.4 (MANE Select); coding-DNA position 1139, T replaced by C.
Protein change: p.Leu380Pro; replaces leucine 380 with proline.
Molecular consequence: missense variant.
Genome position (GRCh38, 1-based): chr17:5,033,165, A>G on the plus strand (T>C on the coding strand, the complement: SLC52A1 is on the minus strand). VCF-style: chr17-5033165-A-G. GRCh37 (hg19) VCF-style: chr17-4936460-A-G.
Other names: c.1139T>C, p.Leu380Pro (NM_001104577.2); c.1139T>C (NM_001104577.1); short protein forms L380P.
Identifiers: ClinVar variation 1973457 (VCV001973457.6), dbSNP rs370773962, ClinGen allele CA8319610.